The following is an entry in ClinVar:

ClinVar aggregate classification (germline): Conflicting classifications of pathogenicity. Review status: criteria provided, conflicting classifications (1 of 4 stars). 5 submissions from 5 submitters: Uncertain significance (1); Likely benign (3). 1 of the submissions does not count toward it. Last evaluated 2026-01-24.

Conditions:
H syndrome. Also called: Asrar Facharzt Haque syndrome; HISTIOCYTOSIS AND LYMPHADENOPATHY WITH OR WITHOUT CUTANEOUS, CARDIAC, AND/OR ENDOCRINE FEATURES, JOINT CONTRACTURES, AND/OR DEAFNESS; HYPERPIGMENTATION, CUTANEOUS, WITH HYPERTRICHOSIS, HEPATOSPLENOMEGALY, HEART ANOMALIES, AND HYPOGONADISM WITH OR WITHOUT HEARING LOSS; PIGMENTED HYPERTRICHOSIS WITH INSULIN-DEPENDENT DIABETES MELLITUS; ROSAI-DORFMAN DISEASE, FAMILIAL; SINUS HISTIOCYTOSIS AND MASSIVE LYMPHADENOPATHY. Identifiers: Orphanet 168569, MedGen C1864445, MONDO:0011273, OMIM 602782.
SLC29A3-related disorder. Also called: SLC29A3-related condition.

Allele frequency attached by ClinVar (database versions not stated): TOPMed 0.00015; gnomAD 0.00016 and 0.00021; gnomAD exomes 0.00023 and 0.00041; ExAC 0.00036; ESP Exome Variant Server 0.00046; 1000 Genomes Project 30x 0.00078; 1000 Genomes Project 0.00100.
gnomAD v4.1: 623 of 1,614,158 alleles (0.039%); highest among the groups gnomAD compares: South Asian, 0.099%; 4 homozygotes.

Submissions (5):

Labcorp Genetics (formerly Invitae), Labcorp
Classification: Likely benign for H syndrome. Last evaluated: 2026-01-24. Review status: criteria provided, single submitter. Criteria: Invitae Variant Classification Sherloc (09022015). Collection method: clinical testing. Allele origin: germline.

Blueprint Genetics
Classification: Likely benign. Last evaluated: 2024-11-20. Review status: criteria provided, single submitter. Criteria: ACMG Guidelines, 2015. Collection method: clinical testing. Allele origin: germline.

CeGaT Center for Human Genetics Tuebingen
Classification: Likely benign. Last evaluated: 2023-12-01. Review status: criteria provided, single submitter. Criteria: CeGaT Center For Human Genetics Tuebingen Variant Classification Criteria Version 2. Collection method: clinical testing. Allele origin: germline. Affected: yes. Observed: 1 variant allele.
Comment: SLC29A3: BP4, BP7

Illumina Laboratory Services, Illumina
Classification: Uncertain significance for H syndrome. Last evaluated: 2018-01-12. Review status: criteria provided, single submitter. Criteria: ICSL Variant Classification Criteria 13 December 2019. Collection method: clinical testing. Allele origin: germline.

PreventionGenetics, part of Exact Sciences
Classification: Likely benign for SLC29A3-related condition. Last evaluated: 2019-06-10. Review status: no assertion criteria provided. Collection method: clinical testing. Allele origin: germline. Not counted in ClinVar's aggregate classification.
Comment: This variant is classified as likely benign based on ACMG/AMP sequence variant interpretation guidelines (Richards et al. 2015 PMID: 25741868, with internal and published modifications).

NM_018344.6(SLC29A3):c.987C>T (p.Asn329=)

Gene: SLC29A3 (solute carrier family 29 member 3; plus strand). Cytogenetic location: 10q22.1.
Variant type: single nucleotide variant.
Coding change: c.987C>T on transcript NM_018344.6 (MANE Select); coding-DNA position 987, C replaced by T.
Protein change: p.Asn329=; no amino-acid change (asparagine 329 retained).
Molecular consequence: synonymous variant. On other transcripts: 3 prime UTR variant (1), non-coding transcript variant (2).
Genome position (GRCh38, 1-based): chr10:71,362,167, C>T. VCF-style: chr10-71362167-C-T. GRCh37 (hg19) VCF-style: chr10-73121924-C-T.
Other names: c.*216C>T (NM_001174098.2); c.753C>T, p.Asn251= (NM_001363518.2).
Identifiers: ClinVar variation 709157 (VCV000709157.40), dbSNP rs147814367, ClinGen allele CA5543101.